The following is an entry in ClinVar:

ClinVar aggregate classification (germline): Uncertain significance (1 of 4 stars; one submission).

gnomAD v4.1: 3 of 1,614,128 alleles (0.00019%); highest among the groups gnomAD compares: Non-Finnish European, 0.00025%; no homozygotes.

Submission:

Labcorp Genetics (formerly Invitae), Labcorp
Classification: Uncertain significance. Last evaluated: 2024-09-01. Review status: criteria provided, single submitter. Criteria: Invitae Variant Classification Sherloc (09022015). Collection method: clinical testing. Allele origin: germline.
Comment: This sequence change replaces glutamic acid, which is acidic and polar, with lysine, which is basic and polar, at codon 62 of the SETBP1 protein (p.Glu62Lys). This variant is not present in population databases (gnomAD no frequency). This variant has not been reported in the literature in individuals affected with SETBP1-related conditions. An algorithm developed to predict the effect of missense changes on protein structure and function (PolyPhen-2) suggests that this variant is likely to be disruptive. In summary, the available evidence is currently insufficient to determine the role of this variant in disease. Therefore, it has been classified as a Variant of Uncertain Significance.

NM_015559.3(SETBP1):c.184G>A (p.Glu62Lys)

Gene: SETBP1 (SET binding protein 1; plus strand). Cytogenetic location: 18q12.3.
Variant type: single nucleotide variant.
Coding change: c.184G>A on transcript NM_015559.3 (MANE Select); coding-DNA position 184, G replaced by A.
Protein change: p.Glu62Lys; replaces glutamic acid 62 with lysine.
Molecular consequence: missense variant.
Genome position (GRCh38, 1-based): chr18:44,701,530, G>A. VCF-style: chr18-44701530-G-A. GRCh37 (hg19) VCF-style: chr18-42281495-G-A.
Other names: c.184G>A, p.Glu62Lys (NM_001130110.2, NM_001379141.1, NM_001379142.1 and 1 more transcripts); short protein forms E62K.
Identifiers: ClinVar variation 3664126 (VCV003664126.2).